The following is an entry in ClinVar:

ClinVar aggregate classification (germline): Uncertain significance. Review status: criteria provided, multiple submitters, no conflicts (2 of 4 stars). 2 submissions from 2 submitters: Uncertain significance (2). Last evaluated 2024-03-20.

Conditions:
Malignant hyperthermia, susceptibility to, 5 (MHS5). Also called: CACNA1S-Related Malignant Hyperthermia Susceptibility. Identifiers: Orphanet 423, MedGen C1866077, MONDO:0011163, OMIM 601887.
Hypokalemic periodic paralysis, type 1. Also called: HypoPP; Hypokalemic Periodic Paralysis Type 1 (AD). Identifiers: Orphanet 681, MedGen C3714580, MONDO:0042979, OMIM 170400.

Allele frequency attached by ClinVar (database versions not stated): gnomAD exomes 0.00001; ExAC 0.00002.
gnomAD v4.1: 8 of 1,613,598 alleles (0.0005%); highest among the groups gnomAD compares: Non-Finnish European, 0.00068%; no homozygotes.

Submissions (2):

Labcorp Genetics (formerly Invitae), Labcorp
Classification: Uncertain significance for Hypokalemic periodic paralysis, type 1; Malignant hyperthermia, susceptibility to, 5. Last evaluated: 2024-03-20. Review status: criteria provided, single submitter. Criteria: Invitae Variant Classification Sherloc (09022015). Collection method: clinical testing. Allele origin: germline.
Comment: This sequence change replaces threonine, which is neutral and polar, with serine, which is neutral and polar, at codon 349 of the CACNA1S protein (p.Thr349Ser). This variant is present in population databases (rs766441140, gnomAD 0.003%). This variant has not been reported in the literature in individuals affected with CACNA1S-related conditions. Advanced modeling of protein sequence and biophysical properties (such as structural, functional, and spatial information, amino acid conservation, physicochemical variation, residue mobility, and thermodynamic stability) performed at Invitae indicates that this missense variant is not expected to disrupt CACNA1S protein function with a negative predictive value of 80%. In summary, the available evidence is currently insufficient to determine the role of this variant in disease. Therefore, it has been classified as a Variant of Uncertain Significance.

All of Us Research Program, National Institutes of Health
Classification: Uncertain significance for Malignant hyperthermia, susceptibility to, 5. Last evaluated: 2023-06-26. Review status: criteria provided, single submitter. Criteria: ACMG Guidelines, 2015. Collection method: clinical testing. Allele origin: germline. Inheritance: Autosomal dominant inheritance. Observed: 2 variant alleles, 2 heterozygotes.
Comment: This missense variant replaces threonine with serine at codon 349 of the CACNA1S protein. Computational prediction suggests that this variant may not impact protein structure and function (internally defined REVEL score threshold <= 0.5, PMID: 27666373). To our knowledge, functional studies have not been reported for this variant. This variant has not been reported in individuals affected with CACNA1S-related disorders in the literature. This variant has been identified in 2/251490 chromosomes in the general population by the Genome Aggregation Database (gnomAD). The available evidence is insufficient to determine the role of this variant in disease conclusively. Therefore, this variant is classified as a Variant of Uncertain Significance.

This study involves interpretation of variants in research participants for the purpose of population health screening. Participant phenotype was not available at the time of variant classification. Additional details can be found in publication PMID: 35346344, PMCID: PMC8962531

NM_000069.3(CACNA1S):c.1046C>G (p.Thr349Ser)

Gene: CACNA1S (calcium voltage-gated channel subunit alpha1 S; minus strand). Cytogenetic location: 1q32.1.
Variant type: single nucleotide variant.
Coding change: c.1046C>G on transcript NM_000069.3 (MANE Select); coding-DNA position 1046, C replaced by G.
Protein change: p.Thr349Ser; replaces threonine 349 with serine.
Molecular consequence: missense variant.
Genome position (GRCh38, 1-based): chr1:201,085,540, G>C on the plus strand (C>G on the coding strand, the complement: CACNA1S is on the minus strand). VCF-style: chr1-201085540-G-C. GRCh37 (hg19) VCF-style: chr1-201054668-G-C.
Other names: short protein forms T349S.
Identifiers: ClinVar variation 3074339 (VCV003074339.3), dbSNP rs766441140, ClinGen allele CA077927.